The following is an entry in ClinVar:

NM_006230.4(POLD2):c.1253C>G (p.Pro418Arg)

Gene: POLD2 (DNA polymerase delta 2, accessory subunit; minus strand). Cytogenetic location: 7p13.
Variant type: single nucleotide variant.
Coding change: c.1253C>G on transcript NM_006230.4 (MANE Select); coding-DNA position 1253, C replaced by G.
Protein change: p.Pro418Arg; replaces proline 418 with arginine.
Molecular consequence: missense variant.
Genome position (GRCh38, 1-based): chr7:44,114,942, G>C on the plus strand (C>G on the coding strand, the complement: POLD2 is on the minus strand). VCF-style: chr7-44114942-G-C. GRCh37 (hg19) VCF-style: chr7-44154541-G-C.
Other names: c.1253C>G, p.Pro418Arg (NM_001127218.3, NM_001256879.2); short protein forms P418R.
Identifiers: ClinVar variation 3673916 (VCV003673916.2).

ClinVar aggregate classification (germline): Uncertain significance (1 of 4 stars; one submission).

Submission:

Labcorp Genetics (formerly Invitae), Labcorp
Classification: Uncertain significance. Last evaluated: 2024-05-13. Review status: criteria provided, single submitter. Criteria: Invitae Variant Classification Sherloc (09022015). Collection method: clinical testing. Allele origin: germline.
Comment: This sequence change replaces proline, which is neutral and non-polar, with arginine, which is basic and polar, at codon 453 of the POLD2 protein (p.Pro453Arg). This variant is not present in population databases (gnomAD no frequency). This variant has not been reported in the literature in individuals affected with POLD2-related conditions. Experimental studies and prediction algorithms are not available or were not evaluated, and the functional significance of this variant is currently unknown. In summary, the available evidence is currently insufficient to determine the role of this variant in disease. Therefore, it has been classified as a Variant of Uncertain Significance.